The following is an entry in ClinVar:

NM_001206744.2(TPO):c.1904G>A (p.Trp635Ter)

Genes: LALTOP (lung cancer associated lncRNA targeting TOP2A; minus strand), TPO (thyroid peroxidase; plus strand). Cytogenetic location: 2p25.3.
Variant type: single nucleotide variant.
Coding change: c.1904G>A on transcript NM_001206744.2 (MANE Select); coding-DNA position 1904, G replaced by A.
Protein change: p.Trp635Ter; replaces tryptophan 635 with a stop codon.
Molecular consequence: nonsense.
Genome position (GRCh38, 1-based): chr2:1,493,937, G>A. VCF-style: chr2-1493937-G-A. GRCh37 (hg19) VCF-style: chr2-1497709-G-A.
Other names: c.1904G>A, p.Trp635Ter (NM_000547.6, NM_175721.3); c.1733G>A, p.Trp578Ter (NM_001206745.2, NM_175719.4); c.1385G>A, p.Trp462Ter (NM_175722.3); short protein forms W462*, W578*, W635*.
Identifiers: ClinVar variation 2723607 (VCV002723607.3), dbSNP rs1672064864, ClinGen allele CA345696964.

ClinVar aggregate classification (germline): Pathogenic (1 of 4 stars; one submission).

Allele frequency attached by ClinVar (database versions not stated): TOPMed below 0.00001.

Submission:

Labcorp Genetics (formerly Invitae), Labcorp
Classification: Pathogenic. Last evaluated: 2023-09-11. Review status: criteria provided, single submitter. Criteria: Invitae Variant Classification Sherloc (09022015). Collection method: clinical testing. Allele origin: germline.
Comment: For these reasons, this variant has been classified as Pathogenic. This variant has not been reported in the literature in individuals affected with TPO-related conditions. This variant is not present in population databases (gnomAD no frequency). This sequence change creates a premature translational stop signal (p.Trp635*) in the TPO gene. It is expected to result in an absent or disrupted protein product. Loss-of-function variants in TPO are known to be pathogenic (PMID: 11061528, 23236987, 25564141).

Literature cited by the submitters: PubMed 11061528; PubMed 23236987; PubMed 25564141.